The following is an entry in ClinVar:

ClinVar aggregate classification (germline): Uncertain significance (1 of 4 stars; one submission).

Conditions:
Familial thoracic aortic aneurysm and aortic dissection (TAAD). Also called: Thoracic aortic aneurysms and dissections. Identifiers: Orphanet 91387, MedGen C4707243, MONDO:0019625.

Submission:

Color Diagnostics, LLC DBA Color Health
Classification: Uncertain significance for Familial thoracic aortic aneurysm and aortic dissection. Last evaluated: 2024-03-06. Review status: criteria provided, single submitter. Criteria: ACMG Guidelines, 2015. Collection method: clinical testing. Allele origin: germline.
Comment: This missense variant replaces glycine with arginine at codon 2161 of the FBN1 protein. Computational prediction is inconclusive regarding the impact of this variant on protein structure and function (internally defined REVEL score threshold 0.5 < inconclusive < 0.7, PMID: 27666373). To our knowledge, functional studies have not been reported for this variant. This variant has not been reported in individuals affected with cardiovascular disorders in the literature. This variant has not been identified in the general population by the Genome Aggregation Database (gnomAD). The available evidence is insufficient to determine the role of this variant in disease conclusively. Therefore, this variant is classified as a Variant of Uncertain Significance.

NM_000138.5(FBN1):c.6481G>C (p.Gly2161Arg)

Gene: FBN1 (fibrillin 1; minus strand). Cytogenetic location: 15q21.1.
Variant type: single nucleotide variant.
Coding change: c.6481G>C on transcript NM_000138.5 (MANE Select); coding-DNA position 6481, G replaced by C.
Protein change: p.Gly2161Arg; replaces glycine 2161 with arginine.
Molecular consequence: missense variant.
Genome position (GRCh38, 1-based): chr15:48,436,976, C>G on the plus strand (G>C on the coding strand, the complement: FBN1 is on the minus strand). VCF-style: chr15-48436976-C-G. GRCh37 (hg19) VCF-style: chr15-48729173-C-G.
Other names: short protein forms G2161R.
Identifiers: ClinVar variation 1172078 (VCV001172078.3), dbSNP rs2141240301, ClinGen allele CA392336335.
Genomic context (GRCh38, chr15:48,436,976, plus strand): 5'-ATTTTTAATTTGTAAAGTTCCTATGGAAGAAAACTTATTACTCACCTACACATTCATTCC[C>G]TGCTAGAATATAACCAAAGGGACACTCGCAGCGATAGGAACCATCTGTATTGATGCACTG-3'
Protein context (NP_000129.3, residues 2151-2171): CECPFGYILA[Gly2161Arg]NECVDTDECS